The following is an entry in ClinVar:

ClinVar aggregate classification (germline): Uncertain significance. Review status: criteria provided, multiple submitters, no conflicts (2 of 4 stars). 3 submissions from 3 submitters: Uncertain significance (3). Last evaluated 2025-04-03.

Conditions:
Familial thoracic aortic aneurysm and aortic dissection (TAAD). Also called: Thoracic aortic aneurysms and dissections. Identifiers: Orphanet 91387, MedGen C4707243, MONDO:0019625.

Allele frequency attached by ClinVar (database versions not stated): gnomAD exomes below 0.00001; TOPMed below 0.00001; gnomAD 0.00001.
gnomAD v4.1: 3 of 1,585,672 alleles (0.00019%); highest among the groups gnomAD compares: African/African-American, 0.0013%; no homozygotes.

Submissions (3):

Ambry Genetics
Classification: Uncertain significance for Familial thoracic aortic aneurysm and aortic dissection. Last evaluated: 2025-04-03. Review status: criteria provided, single submitter. Criteria: Ambry Variant Classification Scheme 2023. Collection method: clinical testing. Allele origin: germline.

GeneDx
Classification: Uncertain significance. Last evaluated: 2023-07-07. Review status: criteria provided, single submitter. Criteria: GeneDx Variant Classification Process June 2021. Collection method: clinical testing. Allele origin: germline. Affected: yes.
Comment: Has not been previously published as pathogenic or benign to our knowledge; Not observed at significant frequency in large population cohorts (gnomAD); In silico analysis supports that this missense variant has a deleterious effect on protein structure/function

ARUP Laboratories, Molecular Genetics and Genomics, ARUP Laboratories
Classification: Uncertain significance. Review status: criteria provided, single submitter. Criteria: ARUP Molecular Germline Variant Investigation Process 2024. Collection method: clinical testing. Allele origin: germline.

NM_017617.5(NOTCH1):c.4792C>T (p.Arg1598Cys)

Gene: NOTCH1 (notch receptor 1; minus strand). Cytogenetic location: 9q34.3.
Variant type: single nucleotide variant.
Coding change: c.4792C>T on transcript NM_017617.5 (MANE Select); coding-DNA position 4792, C replaced by T.
Protein change: p.Arg1598Cys; replaces arginine 1598 with cysteine.
Molecular consequence: missense variant.
Genome position (GRCh38, 1-based): chr9:136,504,899, G>A on the plus strand (C>T on the coding strand, the complement: NOTCH1 is on the minus strand). VCF-style: chr9-136504899-G-A. GRCh37 (hg19) VCF-style: chr9-139399351-G-A.
Other names: short protein forms R1598C.
Identifiers: ClinVar variation 1743114 (VCV001743114.5), dbSNP rs779195962, ClinGen allele CA5340517.